The following is an entry in ClinVar:

ClinVar aggregate classification (germline): Uncertain significance. Review status: criteria provided, multiple submitters, no conflicts (2 of 4 stars). 3 submissions from 3 submitters: Uncertain significance (3). Last evaluated 2026-03-17.

Conditions:
OPA1-related disorder. Also called: OPA1-related condition; OPA1-related disorders.

gnomAD v4.1: 10 of 1,613,048 alleles (0.00062%); highest among the groups gnomAD compares: Admixed American, 0.015%; no homozygotes.

Submissions (3):

PreventionGenetics, part of Exact Sciences
Classification: Uncertain significance for OPA1-related condition. Last evaluated: 2026-03-17. Review status: criteria provided, single submitter. Criteria: ACMG Guidelines, 2015. Collection method: clinical testing. Allele origin: germline.
Comment: The OPA1 c.580A>C variant is predicted to result in the amino acid substitution p.Ile194Leu. To our knowledge, this variant has not been reported in the literature. This variant is refered to as c.556+522A>C on alternate transcript NM_015560. This variant is reported in 0.012% of alleles in individuals of Latino descent in gnomAD. At this time, the clinical significance of this variant is uncertain due to the absence of conclusive functional and genetic evidence.

Labcorp Genetics (formerly Invitae), Labcorp
Classification: Uncertain significance. Last evaluated: 2024-06-17. Review status: criteria provided, single submitter. Criteria: Invitae Variant Classification Sherloc (09022015). Collection method: clinical testing. Allele origin: germline.
Comment: The OPA1 gene has multiple clinically relevant transcripts. This variant occurs in alternate transcript NM_130837.2, and corresponds to NM_015560.2:c.556+522A>C in the primary transcript. This sequence change replaces isoleucine, which is neutral and non-polar, with leucine, which is neutral and non-polar, at codon 194 of the OPA1 protein (p.Ile194Leu). This variant is present in population databases (no rsID available, gnomAD 0.009%). This variant has not been reported in the literature in individuals affected with OPA1-related conditions. ClinVar contains an entry for this variant (Variation ID: 1579176). Experimental studies and prediction algorithms are not available or were not evaluated, and the functional significance of this variant is currently unknown. Algorithms developed to predict the effect of sequence changes on RNA splicing suggest that this variant is not likely to affect RNA splicing. In summary, the available evidence is currently insufficient to determine the role of this variant in disease. Therefore, it has been classified as a Variant of Uncertain Significance.

GeneDx
Classification: Uncertain significance. Last evaluated: 2023-07-25. Review status: criteria provided, single submitter. Criteria: GeneDx Variant Classification Process June 2021. Collection method: clinical testing. Allele origin: germline. Affected: yes.
Comment: In silico analysis supports that this variant does not alter splicing; Has not been previously published as pathogenic or benign to our knowledge; Reported using an alternate transcript of the gene

NM_130837.3(OPA1):c.580A>C (p.Ile194Leu)

Gene: OPA1 (OPA1 mitochondrial dynamin like GTPase; plus strand). Cytogenetic location: 3q29.
Variant type: single nucleotide variant.
Coding change: c.580A>C on transcript NM_130837.3 (MANE Select); coding-DNA position 580, A replaced by C.
Protein change: p.Ile194Leu; replaces isoleucine 194 with leucine.
Molecular consequence: missense variant. On other transcripts: intron variant (6).
Genome position (GRCh38, 1-based): chr3:193,617,807, A>C. VCF-style: chr3-193617807-A-C. GRCh37 (hg19) VCF-style: chr3-193335596-A-C.
Other names: c.472A>C, p.Ile158Leu (NM_130832.3, NM_130835.3); c.580A>C, p.Ile194Leu (NM_130834.3); c.184+522A>C (NM_001354664.2); c.77-1062A>C (NM_001354663.2); c.556+522A>C (NM_130836.3, NM_015560.3); c.449-1062A>C (NM_130833.3, NM_130831.3); c.580A>C (NM_130837.2); short protein forms I158L, I194L.
Identifiers: ClinVar variation 1579176 (VCV001579176.10), dbSNP rs368853243, ClinGen allele CA355787837.